The following is an entry in ClinVar:

ClinVar aggregate classification (germline): Uncertain significance. Review status: criteria provided, multiple submitters, no conflicts (2 of 4 stars). 2 submissions from 2 submitters: Uncertain significance (2). Last evaluated 2026-07-26.

Conditions:
Hereditary cancer-predisposing syndrome. Also called: Neoplastic Syndromes, Hereditary; Hereditary Cancer Syndrome; Tumor predisposition; Hereditary neoplastic syndrome. Identifiers: Orphanet 140162, MedGen C0027672, MeSH D009386, MONDO:0015356.

Submissions (2):

Ambry Genetics
Classification: Uncertain significance for Hereditary cancer-predisposing syndrome. Last evaluated: 2026-07-26. Review status: criteria provided, single submitter. Criteria: Ambry Variant Classification Scheme 2023. Collection method: clinical testing. Allele origin: germline.
Comment: The p.N738S variant (also known as c.2213A>G), located in coding exon 15 of the CTNNA1 gene, results from an A to G substitution at nucleotide position 2213. The asparagine at codon 738 is replaced by serine, an amino acid with highly similar properties. This amino acid position is conserved. In addition, this alteration is predicted to be tolerated by in silico analysis. Based on the available evidence, the clinical significance of this variant remains unclear.

Labcorp Genetics (formerly Invitae), Labcorp
Classification: Uncertain significance. Last evaluated: 2019-08-28. Review status: criteria provided, single submitter. Criteria: Invitae Variant Classification Sherloc (09022015). Collection method: clinical testing. Allele origin: germline.
Comment: This sequence change replaces asparagine with serine at codon 738 of the CTNNA1 protein (p.Asn738Ser). The asparagine residue is highly conserved and there is a small physicochemical difference between asparagine and serine. In summary, the available evidence is currently insufficient to determine the role of this variant in disease. Therefore, it has been classified as a Variant of Uncertain Significance. Algorithms developed to predict the effect of sequence changes on RNA splicing suggest that this variant may create or strengthen a splice site, but this prediction has not been confirmed by published transcriptional studies. Algorithms developed to predict the effect of missense changes on protein structure and function are either unavailable or do not agree on the potential impact of this missense change (SIFT: "Deleterious"; PolyPhen-2: "Benign"; Align-GVGD: "Class C0"). This variant has not been reported in the literature in individuals with CTNNA1-related conditions. This variant is not present in population databases (ExAC no frequency).

NM_001903.5(CTNNA1):c.2213A>G (p.Asn738Ser)

Gene: CTNNA1 (catenin alpha 1; plus strand). Cytogenetic location: 5q31.2.
Variant type: single nucleotide variant.
Coding change: c.2213A>G on transcript NM_001903.5 (MANE Select); coding-DNA position 2213, A replaced by G.
Protein change: p.Asn738Ser; replaces asparagine 738 with serine.
Molecular consequence: missense variant.
Genome position (GRCh38, 1-based): chr5:138,930,850, A>G. VCF-style: chr5-138930850-A-G. GRCh37 (hg19) VCF-style: chr5-138266539-A-G.
Other names: c.1103A>G, p.Asn368Ser (NM_001323995.1, NM_001323996.1, NM_001323997.1 and 17 more transcripts); c.2213A>G, p.Asn738Ser (NM_001290307.3, NM_001323982.2, NM_001323983.1 and 2 more transcripts); c.1904A>G, p.Asn635Ser (NM_001290309.3); c.1844A>G, p.Asn615Ser (NM_001290310.3); c.2120A>G, p.Asn707Ser (NM_001323986.2); c.764A>G, p.Asn255Ser (NM_001324006.1, NM_001324007.1, NM_001324008.1 and 2 more transcripts); c.1010A>G, p.Asn337Ser (NM_001324011.1); c.860A>G, p.Asn287Ser (NM_001324012.1, NM_001324013.1); and 1 more; short protein forms N635S, N255S, N368S, N287S, N707S, N738S, N337S, N615S.
Identifiers: ClinVar variation 942005 (VCV000942005.10), dbSNP rs1765149617, ClinGen allele CA361133788.
Genomic context (GRCh38, chr5:138,930,850, plus strand): 5'-CTTCACATACAATAATCCTTGTTCTCTTCCCTCTTCTCAGAGGTAAAGGACCACTCAAAA[A>G]TACATCGGATGTCATCAGTGCTGCCAAGAAAATTGCTGAGGCAGGATCCAGGATGGACAA-3'
Protein context (NP_001894.2, residues 728-748): DFTRGKGPLK[Asn738Ser]TSDVISAAKK